The following is an entry in ClinVar:

ClinVar aggregate classification (germline): Uncertain significance. Review status: criteria provided, multiple submitters, no conflicts (2 of 4 stars). 4 submissions from 4 submitters: Uncertain significance (4). Last evaluated 2024-10-20.

Conditions:
Hereditary nonpolyposis colorectal neoplasms. Identifiers: MedGen C0009405, MeSH D003123.
Hereditary cancer-predisposing syndrome. Also called: Tumor predisposition; Hereditary Cancer Syndrome; Neoplastic Syndromes, Hereditary; Hereditary neoplastic syndrome. Identifiers: Orphanet 140162, MedGen C0027672, MeSH D009386, MONDO:0015356.

Allele frequency attached by ClinVar (database versions not stated): gnomAD exomes below 0.00001.
gnomAD v4.1: 1 of 1,614,228 alleles (0.000062%); highest among the groups gnomAD compares: Non-Finnish European, 0.000085%; no homozygotes.

Submissions (4):

Labcorp Genetics (formerly Invitae), Labcorp
Classification: Uncertain significance for Hereditary nonpolyposis colorectal neoplasms. Last evaluated: 2024-10-20. Review status: criteria provided, single submitter. Criteria: Invitae Variant Classification Sherloc (09022015). Collection method: clinical testing. Allele origin: germline.
Comment: This sequence change replaces lysine, which is basic and polar, with glutamine, which is neutral and polar, at codon 1140 of the MSH6 protein (p.Lys1140Gln). This variant is not present in population databases (gnomAD no frequency). This variant has not been reported in the literature in individuals affected with MSH6-related conditions. ClinVar contains an entry for this variant (Variation ID: 1332035). Invitae Evidence Modeling of protein sequence and biophysical properties (such as structural, functional, and spatial information, amino acid conservation, physicochemical variation, residue mobility, and thermodynamic stability) indicates that this missense variant is expected to disrupt MSH6 protein function with a positive predictive value of 95%. In summary, the available evidence is currently insufficient to determine the role of this variant in disease. Therefore, it has been classified as a Variant of Uncertain Significance.

Sema4
Classification: Uncertain significance for Hereditary cancer-predisposing syndrome. Last evaluated: 2021-04-23. Review status: criteria provided, single submitter. Criteria: Sema4 Curation Guidelines. Collection method: curation. Allele origin: germline.
Comment: The MSH6 c.3418A>C (p.K1140Q) variant has been reported in one individual with Lynch Syndrome (PMID: 28218421). This variant was not observed in the Genome Aggregation Database (PMID: 32461654). This variant has been not been reported in ClinVar. In silico tools suggest the impact of the variant on protein function is deleterious, though these predictions have not been confirmed by functional studies. The overall evidence is insufficient to meet ACMG/AMP criteria for classifying it as benign or pathogenic. In summary, the clinical significance of this variant is currently uncertain.

Color Diagnostics, LLC DBA Color Health
Classification: Uncertain significance for Hereditary cancer-predisposing syndrome. Last evaluated: 2021-04-13. Review status: criteria provided, single submitter. Criteria: ACMG Guidelines, 2015. Collection method: clinical testing. Allele origin: germline.
Comment: This missense variant replaces lysine with glutamine at codon 1140 of the MSH6 protein. Computational prediction suggests that this variant may have deleterious impact on protein structure and function (internally defined REVEL score threshold >= 0.7, PMID: 27666373). To our knowledge, functional studies have not been reported for this variant. This variant has not been reported in an individual affected with colorectal carcinoma (PMID: 31857678). This variant has not been identified in the general population by the Genome Aggregation Database (gnomAD). The available evidence is insufficient to determine the role of this variant in disease conclusively. Therefore, this variant is classified as a Variant of Uncertain Significance.

Genetic Services Laboratory, University of Chicago
Classification: Uncertain significance. Last evaluated: 2019-11-20. Review status: criteria provided, single submitter. Criteria: ACMG Guidelines, 2015. Collection method: clinical testing. Allele origin: germline. Affected: no.

Literature cited by the submitters: PubMed 28218421 (cited by Sema4).

NM_000179.3(MSH6):c.3418A>C (p.Lys1140Gln)

Gene: MSH6 (mutS homolog 6; plus strand). Cytogenetic location: 2p16.3.
Variant type: single nucleotide variant.
Coding change: c.3418A>C on transcript NM_000179.3 (MANE Select); coding-DNA position 3418, A replaced by C.
Protein change: p.Lys1140Gln; replaces lysine 1140 with glutamine.
Molecular consequence: missense variant.
Genome position (GRCh38, 1-based): chr2:47,803,665, A>C. VCF-style: chr2-47803665-A-C. GRCh37 (hg19) VCF-style: chr2-48030804-A-C.
Other names: c.3028A>C, p.Lys1010Gln (NM_001281492.2); c.2512A>C, p.Lys838Gln (NM_001281493.2, NM_001281494.2); short protein forms K1010Q, K1140Q, K838Q.
Identifiers: ClinVar variation 1332035 (VCV001332035.8), dbSNP rs2104485766, ClinGen allele CA346758924.
Genomic context (GRCh38, chr2:47,803,665, plus strand): 5'-GAGGAGCAGGAAAATGGCAAAGCCTATTGTGTGCTTGTTACTGGACCAAATATGGGGGGC[A>C]AGTCTACGCTTATGAGACAGGTAACTGATTCTTAAAGTTTTGTTATCAGAAAGTCATTTG-3'
Protein context (NP_000170.1, residues 1130-1150): VLVTGPNMGG[Lys1140Gln]STLMRQAGLL